The following is an entry in ClinVar:

NM_020751.3(COG6):c.1416+4T>A

Gene: COG6 (component of oligomeric golgi complex 6; plus strand). Cytogenetic location: 13q14.11.
Variant type: single nucleotide variant.
Coding change: c.1416+4T>A on transcript NM_020751.3 (MANE Select); 4 bases into the intron after coding-DNA position 1416, T replaced by A.
Molecular consequence: intron variant.
Genome position (GRCh38, 1-based): chr13:39,719,371, T>A. VCF-style: chr13-39719371-T-A. GRCh37 (hg19) VCF-style: chr13-40293508-T-A.
Other names: c.1416+4T>A (NM_001145079.2).
Identifiers: ClinVar variation 3030364 (VCV003030364.3), dbSNP rs200219099, ClinGen allele CA6958640.

ClinVar aggregate classification (germline): Likely benign. Review status: criteria provided, single submitter (1 of 4 stars). 2 submissions from 2 submitters: Likely benign (1). 1 of the submissions does not count toward it. Last evaluated 2024-03-07.

Conditions:
COG6-related disorder.

Allele frequency attached by ClinVar (database versions not stated): gnomAD 0.00003; TOPMed 0.00003; ExAC 0.00005; 1000 Genomes Project 30x 0.00016; 1000 Genomes Project 0.00020.
gnomAD v4.1: 99 of 1,611,602 alleles (0.0061%); highest among the groups gnomAD compares: Non-Finnish European, 0.0083%; no homozygotes.

Submissions (2):

Blueprint Genetics
Classification: Likely benign. Last evaluated: 2024-03-07. Review status: criteria provided, single submitter. Criteria: ACMG Guidelines, 2015. Collection method: clinical testing. Allele origin: germline.

PreventionGenetics, part of Exact Sciences
Classification: Likely benign for COG6-related condition. Last evaluated: 2020-11-23. Review status: no assertion criteria provided. Collection method: clinical testing. Allele origin: germline. Not counted in ClinVar's aggregate classification.
Comment: This variant is classified as likely benign based on ACMG/AMP sequence variant interpretation guidelines (Richards et al. 2015 PMID: 25741868, with internal and published modifications).